The following is an entry in ClinVar:

NM_001127198.5(TMC6):c.1018C>T (p.Pro340Ser)

Gene: TMC6 (transmembrane channel like 6; minus strand). Cytogenetic location: 17q25.3.
Variant type: single nucleotide variant.
Coding change: c.1018C>T on transcript NM_001127198.5 (MANE Select); coding-DNA position 1018, C replaced by T.
Protein change: p.Pro340Ser; replaces proline 340 with serine.
Molecular consequence: missense variant. On other transcripts: non-coding transcript variant (4).
Genome position (GRCh38, 1-based): chr17:78,124,053, G>A on the plus strand (C>T on the coding strand, the complement: TMC6 is on the minus strand). VCF-style: chr17-78124053-G-A. GRCh37 (hg19) VCF-style: chr17-76120134-G-A.
Other names: c.1018C>T, p.Pro340Ser (NM_001321185.1, NM_001374593.1, NM_001374594.1 and 4 more transcripts); short protein forms P340S.
Identifiers: ClinVar variation 1996034 (VCV001996034.4), dbSNP rs771660744, ClinGen allele CA8795906.
Genomic context (GRCh38, chr17:78,124,053, plus strand): 5'-ACACCAGGGTGATGCAGGTGATAAAGAAGCTCACGCCCACAGTGGAGAGGTAGGCCAGGG[G>A]CATGTTGTAGGGCAGGCCACCCACCCTGGGTGTGCACTGGCTGCCATCCAGGGGGCTGCC-3'
Protein context (NP_001120670.1, residues 330-350): PRVGGLPYNM[Pro340Ser]LAYLSTVGVS

ClinVar aggregate classification (germline): Uncertain significance (1 of 4 stars; one submission).

Conditions:
Epidermodysplasia verruciformis. Identifiers: Orphanet 302, MedGen C0014522, MONDO:0009176.

Allele frequency attached by ClinVar (database versions not stated): gnomAD exomes below 0.00001; ExAC 0.00001.
gnomAD v4.1: 1 of 1,613,646 alleles (0.000062%); highest among the groups gnomAD compares: Non-Finnish European, 0.000085%; no homozygotes.

Submission:

Labcorp Genetics (formerly Invitae), Labcorp
Classification: Uncertain significance for Epidermodysplasia verruciformis. Last evaluated: 2022-06-10. Review status: criteria provided, single submitter. Criteria: Invitae Variant Classification Sherloc (09022015). Collection method: clinical testing. Allele origin: germline.
Comment: This sequence change replaces proline, which is neutral and non-polar, with serine, which is neutral and polar, at codon 340 of the TMC6 protein (p.Pro340Ser). This variant is present in population databases (rs771660744, gnomAD 0.0009%). This variant has not been reported in the literature in individuals affected with TMC6-related conditions. Algorithms developed to predict the effect of missense changes on protein structure and function are either unavailable or do not agree on the potential impact of this missense change (SIFT: "Not Available"; PolyPhen-2: "Probably Damaging"; Align-GVGD: "Not Available"). In summary, the available evidence is currently insufficient to determine the role of this variant in disease. Therefore, it has been classified as a Variant of Uncertain Significance.